The following is an entry in ClinVar:

NM_004259.7(RECQL5):c.2328_2339delinsCCCAGAGGCAGA (p.Leu777_Ser780delinsProGluAlaGlu)

Gene: RECQL5 (RecQ like helicase 5; minus strand). Cytogenetic location: 17q25.1.
Variant type: Indel.
Coding change: c.2328_2339delinsCCCAGAGGCAGA on transcript NM_004259.7 (MANE Select); coding-DNA positions 2328 to 2339, TCTGCTGGCATC replaced by CCCAGAGGCAGA.
Protein change: p.Leu777_Ser780delinsProGluAlaGlu.
Molecular consequence: missense variant.
Genome position (GRCh38, 1-based): chr17:75,629,084-75,629,095, GATGCCAGCAGA replaced by TCTGCCTCTGGG on the plus strand (TCTGCTGGCATC replaced by CCCAGAGGCAGA on the coding strand, the reverse complement: RECQL5 is on the minus strand). VCF-style: chr17-75629084-GATGCCAGCAGA-TCTGCCTCTGGG. GRCh37 (hg19) VCF-style: chr17-73625164-GATGCCAGCAGA-TCTGCCTCTGGG.
Identifiers: ClinVar variation 2633463 (VCV002633463.2), dbSNP rs2545512215, ClinGen allele CA2695200331.
Genomic context (GRCh38, chr17:75,629,084, plus strand): 5'-GCCATCGGGGGTCCCTGAACCCCCTCACAGGAGGGGCAGGCACCTTCTGCCTCTGGGGCT[GATGCCAGCAGA>TCTGCCTCTGGG]GCTGGGCTTTCCACCCTTCGGCAGAAGAAGCGGGCGATGCTCTGAGAATCCTTGTGGGCC-3'

ClinVar aggregate classification (germline): Uncertain significance (0 of 4 stars; one submission).

Conditions:
RECQL5-related disorder. Also called: RECQL5-related condition.

Submission:

PreventionGenetics, part of Exact Sciences
Classification: Uncertain significance for RECQL5-related condition. Last evaluated: 2024-04-18. Review status: no assertion criteria provided. Collection method: clinical testing. Allele origin: germline.
Comment: The RECQL5 c.2328_2339delinsCCCAGAGGCAGA variant is predicted to result in an in-frame deletion and insertion. To our knowledge, this variant has not been reported in the literature or in a large population database, indicating this variant is rare. At this time, the clinical significance of this variant is uncertain due to the absence of conclusive functional and genetic evidence.